The following is an entry in ClinVar:

NM_015346.4(ZFYVE26):c.5224T>A (p.Ser1742Thr)

Gene: ZFYVE26 (zinc finger FYVE-type containing 26; minus strand). Cytogenetic location: 14q24.1.
Variant type: single nucleotide variant.
Coding change: c.5224T>A on transcript NM_015346.4 (MANE Select); coding-DNA position 5224, T replaced by A.
Protein change: p.Ser1742Thr; replaces serine 1742 with threonine.
Molecular consequence: missense variant.
Genome position (GRCh38, 1-based): chr14:67,775,112, A>T on the plus strand (T>A on the coding strand, the complement: ZFYVE26 is on the minus strand). VCF-style: chr14-67775112-A-T. GRCh37 (hg19) VCF-style: chr14-68241829-A-T.
Other names: short protein forms S1742T.
Identifiers: ClinVar variation 1417582 (VCV001417582.6), dbSNP rs2140211203, ClinGen allele CA390168029.

ClinVar aggregate classification (germline): Uncertain significance (1 of 4 stars; one submission).

Conditions:
Spastic paraplegia. Identifiers: MedGen C0037772, HP:0001258.

Submission:

Labcorp Genetics (formerly Invitae), Labcorp
Classification: Uncertain significance for Spastic paraplegia. Last evaluated: 2021-12-16. Review status: criteria provided, single submitter. Criteria: Invitae Variant Classification Sherloc (09022015). Collection method: clinical testing. Allele origin: germline.
Comment: Algorithms developed to predict the effect of missense changes on protein structure and function are either unavailable or do not agree on the potential impact of this missense change (SIFT: "Deleterious"; PolyPhen-2: "Benign"; Align-GVGD: "Class C0"). In summary, the available evidence is currently insufficient to determine the role of this variant in disease. Therefore, it has been classified as a Variant of Uncertain Significance. This variant has not been reported in the literature in individuals affected with ZFYVE26-related conditions. This variant is not present in population databases (gnomAD no frequency). This sequence change replaces serine, which is neutral and polar, with threonine, which is neutral and polar, at codon 1742 of the ZFYVE26 protein (p.Ser1742Thr).